The following is an entry in ClinVar:

ClinVar aggregate classification (germline): Benign. Review status: criteria provided, multiple submitters, no conflicts (2 of 4 stars). 14 submissions from 12 submitters: Benign (10). 4 of the submissions do not count toward it. Last evaluated 2026-02-04.

Conditions:
Arrhythmogenic right ventricular dysplasia 8 (ARVD8). Also called: ARRHYTHMOGENIC RIGHT VENTRICULAR CARDIOMYOPATHY 8; Arrhythmogenic Right Ventricular Dysplasia/Cardiomyopathy 8; ARRHYTHMOGENIC RIGHT VENTRICULAR DYSPLASIA, FAMILIAL, 8. Identifiers: MedGen C1843896, MONDO:0011831, OMIM 607450.
Arrhythmogenic cardiomyopathy with wooly hair and keratoderma. Also called: Carvajal syndrome; Dilated cardiomyopathy with woolly hair and keratoderma; PALMOPLANTAR KERATODERMA WITH LEFT VENTRICULAR CARDIOMYOPATHY AND WOOLLY HAIR; Arrhythmogenic cardiomyopathy with woolly hair and keratoderma. Identifiers: Orphanet 65282, MedGen C1854063, MONDO:0011581, OMIM 605676.
Cardiomyopathy (CMYO). Also called: Cardiomyopathies. Identifiers: Orphanet 167848, MedGen C0878544, MONDO:0004994, HP:0001638. Inheritance: Various modes of inheritance.
Woolly hair-skin fragility syndrome (WHSF). Identifiers: Orphanet 293165, MedGen C1843292, MONDO:0957307, OMIM 620415.
Lethal acantholytic epidermolysis bullosa (EBLA). Identifiers: Orphanet 158687, MedGen C1864826, MONDO:0012323, OMIM 609638.

Allele frequency attached by ClinVar (database versions not stated): 1000 Genomes Project 30x 0.02280; 1000 Genomes Project 0.02196; gnomAD exomes 0.00602; ESP Exome Variant Server 0.02514; gnomAD 0.02605 and 0.02421; ExAC 0.00704; TOPMed 0.02696.
gnomAD v4.1: 7,263 of 1,614,026 alleles (0.45%); highest among the groups gnomAD compares: African/African-American, 8.5%; 289 homozygotes.

Submissions (14):

Labcorp Genetics (formerly Invitae), Labcorp
Classification: Benign for Arrhythmogenic cardiomyopathy with wooly hair and keratoderma; Arrhythmogenic right ventricular dysplasia 8. Last evaluated: 2026-02-04. Review status: criteria provided, single submitter. Criteria: Invitae Variant Classification Sherloc (09022015). Collection method: clinical testing. Allele origin: germline.

ARUP Laboratories, Molecular Genetics and Genomics, ARUP Laboratories
Classification: Benign. Last evaluated: 2025-05-14. Review status: criteria provided, single submitter. Criteria: ARUP Molecular Germline Variant Investigation Process 2024. Collection method: clinical testing. Allele origin: germline.

Molecular Diagnostic Laboratory for Inherited Cardiovascular Disease, Montreal Heart Institute
Classification: Benign. Last evaluated: 2025-02-17. Review status: criteria provided, single submitter. Criteria: ACMG Guidelines, 2015. Collection method: clinical testing. Allele origin: germline. Affected: no.

Illumina Laboratory Services, Illumina
Classification: Benign for Arrhythmogenic right ventricular dysplasia 8. Last evaluated: 2018-01-13. Review status: criteria provided, single submitter. Criteria: ICSL Variant Classification Criteria 13 December 2019. Collection method: clinical testing. Allele origin: germline.
Comment: This variant was observed in the ICSL laboratory as part of a predisposition screen in an ostensibly healthy population. It had not been previously curated by ICSL or reported in the Human Gene Mutation Database (HGMD: prior to June 1st, 2018), and was therefore a candidate for classification through an automated scoring system. Utilizing variant allele frequency, disease prevalence and penetrance estimates, and inheritance mode, an automated score was calculated to assess if this variant is too frequent to cause the disease. Based on the score and internal cut-off values, a variant classified as benign is not then subjected to further curation. The score for this variant resulted in a classification of benign for this disease.

Illumina Laboratory Services, Illumina
Classification: Benign for Arrhythmogenic cardiomyopathy with wooly hair and keratoderma. Last evaluated: 2018-01-13. Review status: criteria provided, single submitter. Criteria: ICSL Variant Classification Criteria 13 December 2019. Collection method: clinical testing. Allele origin: germline.
Comment: the same text as in the submission from Illumina Laboratory Services, Illumina above.

Illumina Laboratory Services, Illumina
Classification: Benign for Lethal acantholytic epidermolysis bullosa. Last evaluated: 2018-01-13. Review status: criteria provided, single submitter. Criteria: ICSL Variant Classification Criteria 13 December 2019. Collection method: clinical testing. Allele origin: germline.
Comment: the same text as in the submission from Illumina Laboratory Services, Illumina above.

Mayo Clinic Laboratories, Mayo Clinic
Classification: Benign. Last evaluated: 2016-10-27. Review status: criteria provided, single submitter. Criteria: ACMG Guidelines, 2015. Collection method: clinical testing. Allele origin: germline. Observed: 40 variant alleles.

GeneDx
Classification: Benign. Last evaluated: 2012-04-29. Review status: criteria provided, single submitter. Criteria: GeneDx Variant Classification (06012015). Collection method: clinical testing. Allele origin: germline. Affected: yes.
Comment: This variant is considered likely benign or benign based on one or more of the following criteria: it is a conservative change, it occurs at a poorly conserved position in the protein, it is predicted to be benign by multiple in silico algorithms, and/or has population frequency not consistent with disease.

Laboratory for Molecular Medicine, Mass General Brigham Personalized Medicine
Classification: Benign. Last evaluated: 2011-12-09. Review status: criteria provided, single submitter. Criteria: LMM Criteria. Collection method: clinical testing. Allele origin: germline. Observed: 49 variant alleles.

Women's Health and Genetics/Laboratory Corporation of America, LabCorp
Classification: Benign for Cardiomyopathy. Last evaluated: 2011-08-18. Review status: criteria provided, single submitter. Criteria: LabCorp Variant Classification Summary - May 2015. Collection method: curation. Allele origin: germline. Inheritance: autosomal unknown. Affected: yes.
ClinVar note: Converted during submission from benign to Benign.

Clinical Genetics DNA and cytogenetics Diagnostics Lab, Erasmus MC, Erasmus Medical Center
Classification: Benign. Review status: no assertion criteria provided. Collection method: clinical testing. Allele origin: germline. Affected: yes. Study: VKGL Data-share Consensus. Not counted in ClinVar's aggregate classification.

Clinical Genetics, Academic Medical Center
Classification: Benign. Review status: no assertion criteria provided. Collection method: clinical testing. Allele origin: germline. Affected: yes. Study: VKGL Data-share Consensus. Not counted in ClinVar's aggregate classification.

Joint Genome Diagnostic Labs from Nijmegen and Maastricht, Radboudumc and MUMC+
Classification: Benign. Review status: no assertion criteria provided. Collection method: clinical testing. Allele origin: germline. Affected: yes. Study: VKGL Data-share Consensus. Not counted in ClinVar's aggregate classification.

Laboratory of Diagnostic Genome Analysis, Leiden University Medical Center (LUMC)
Classification: Likely benign. Review status: no assertion criteria provided. Collection method: clinical testing. Allele origin: germline. Affected: yes. Study: VKGL Data-share Consensus. Not counted in ClinVar's aggregate classification.

NM_004415.4(DSP):c.1903+7T>C

Gene: DSP (desmoplakin; plus strand). Cytogenetic location: 6p24.3.
Variant type: single nucleotide variant.
Coding change: c.1903+7T>C on transcript NM_004415.4 (MANE Select); 7 bases into the intron after coding-DNA position 1903, T replaced by C.
Molecular consequence: intron variant.
Genome position (GRCh38, 1-based): chr6:7,571,591, T>C. VCF-style: chr6-7571591-T-C. GRCh37 (hg19) VCF-style: chr6-7571824-T-C.
Other names: p.?; c.1903+7T>C (NM_004415.3, NM_001319034.2, NM_001008844.3).
Identifiers: ClinVar variation 36019 (VCV000036019.39), dbSNP rs28763962, ClinGen allele CA005178.